The following is an entry in ClinVar:

NC_000010.10:g.(?_101563756)_(101568006_?)del

Gene: ABCC2 (ATP binding cassette subfamily C member 2; plus strand). Cytogenetic location: 10q24.2.
Variant type: Deletion.
Identifiers: ClinVar variation 3244939 (VCV003244939.1).

ClinVar aggregate classification (germline): Pathogenic (1 of 4 stars; one submission).

Submission:

Labcorp Genetics (formerly Invitae), Labcorp
Classification: Pathogenic. Last evaluated: 2023-06-23. Review status: criteria provided, single submitter. Criteria: Invitae Variant Classification Sherloc (09022015). Collection method: clinical testing. Allele origin: unknown.
Comment: This variant has not been reported in the literature in individuals affected with ABCC2-related conditions. This variant is a gross deletion of the genomic region encompassing exon(s) 10-13 of the ABCC2 gene. This variant would be expected to be in-frame, preserving the integrity of the reading frame. This variant disrupts a region of the ABCC2 protein in which other variant(s) (p.Arg529Gln) have been determined to be pathogenic (PMID: 32183854, 33470920, 34150028). This suggests that this is a clinically significant region of the protein, and that variants that disrupt it are likely to be disease-causing. For these reasons, this variant has been classified as Pathogenic.

Literature cited by the submitters: PubMed 32183854; PubMed 33470920; PubMed 34150028.